The following is an entry in ClinVar:

NM_000038.6(APC):c.7825A>G (p.Lys2609Glu)

Gene: APC (APC regulator of Wnt signaling pathway; plus strand). Cytogenetic location: 5q22.2.
Variant type: single nucleotide variant.
Coding change: c.7825A>G on transcript NM_000038.6 (MANE Select); coding-DNA position 7825, A replaced by G.
Protein change: p.Lys2609Glu; replaces lysine 2609 with glutamic acid.
Molecular consequence: missense variant.
Genome position (GRCh38, 1-based): chr5:112,843,419, A>G. VCF-style: chr5-112843419-A-G. GRCh37 (hg19) VCF-style: chr5-112179116-A-G.
Other names: c.7576A>G, p.Lys2526Glu (NM_001407454.1, NM_001407455.1, NM_001407456.1 and 1 more transcripts); c.7522A>G, p.Lys2508Glu (NM_001407458.1, NM_001407459.1, NM_001407460.1 and 1 more transcripts); c.7438A>G, p.Lys2480Glu (NM_001407467.1, NM_001407469.1); c.6976A>G, p.Lys2326Glu (NM_001407470.1, NM_001354906.2); c.6673A>G, p.Lys2225Glu (NM_001407471.1, NM_001407472.1); c.7825A>G, p.Lys2609Glu (NM_001127510.3, NM_001354895.2, NM_001407450.1); c.7771A>G, p.Lys2591Glu (NM_001127511.3); c.7879A>G, p.Lys2627Glu (NM_001354896.2, NM_001407447.1, NM_001407448.1 and 1 more transcripts); and 11 more; short protein forms K2480E, K2508E, K2526E, K2568E, K2602E, K2609E, K2225E, K2326E.
Identifiers: ClinVar variation 1760781 (VCV001760781.2), dbSNP rs2149994500, ClinGen allele CA16038330.

ClinVar aggregate classification (germline): Uncertain significance (1 of 4 stars; one submission).

Conditions:
Hereditary cancer-predisposing syndrome. Also called: Neoplastic Syndromes, Hereditary; Tumor predisposition; Hereditary Cancer Syndrome; Hereditary neoplastic syndrome. Identifiers: Orphanet 140162, MedGen C0027672, MeSH D009386, MONDO:0015356.

Submission:

Ambry Genetics
Classification: Uncertain significance for Hereditary cancer-predisposing syndrome. Last evaluated: 2020-03-03. Review status: criteria provided, single submitter. Criteria: Ambry Variant Classification Scheme 2023. Collection method: clinical testing. Allele origin: germline.
Comment: The p.K2609E variant (also known as c.7825A>G), located in coding exon 15 of the APC gene, results from an A to G substitution at nucleotide position 7825. The lysine at codon 2609 is replaced by glutamic acid, an amino acid with similar properties. This amino acid position is well conserved in available vertebrate species. In addition, in silico predictors for this gene do not accurately predict pathogenicity. Since supporting evidence is limited at this time, the clinical significance of this alteration remains unclear.